The following is an entry in ClinVar:

NM_004064.5(CDKN1B):c.413_414dup (p.Asp139fs)

Gene: CDKN1B (cyclin dependent kinase inhibitor 1B; plus strand). Cytogenetic location: 12p13.1.
Variant type: Duplication.
Coding change: c.413_414dup on transcript NM_004064.5 (MANE Select); coding-DNA positions 413 to 414, 2 bases duplicated (CG; older notation c.413_414dupCG).
Protein change: p.Asp139fs; shifts the reading frame from aspartic acid 139.
Molecular consequence: frameshift variant.
Genome position (GRCh38, 1-based): chr12:12,718,252-12,718,253, CG duplicated. VCF-style (leftmost placement, unchanged base first): chr12-12718251-T-TCG. GRCh37 (hg19) VCF-style: chr12-12871185-T-TCG.
Other names: short protein forms D139fs.
Identifiers: ClinVar variation 2018951 (VCV002018951.4), dbSNP rs2497405682, ClinGen allele CA2580085209.

ClinVar aggregate classification (germline): Pathogenic (1 of 4 stars; one submission).

Conditions:
Multiple endocrine neoplasia type 4. Also called: MULTIPLE ENDOCRINE NEOPLASIA, TYPE IV. Identifiers: Orphanet 276152, MedGen C1970712, MONDO:0012552, OMIM 610755.

Submission:

Labcorp Genetics (formerly Invitae), Labcorp
Classification: Pathogenic for Multiple endocrine neoplasia type 4. Last evaluated: 2022-07-22. Review status: criteria provided, single submitter. Criteria: Invitae Variant Classification Sherloc (09022015). Collection method: clinical testing. Allele origin: germline.
Comment: For these reasons, this variant has been classified as Pathogenic. This variant has not been reported in the literature in individuals affected with CDKN1B-related conditions. This variant is not present in population databases (gnomAD no frequency). This sequence change creates a premature translational stop signal (p.Asp139Argfs*7) in the CDKN1B gene. It is expected to result in an absent or disrupted protein product. Loss-of-function variants in CDKN1B are known to be pathogenic (PMID: 17030811, 24819502).

Literature cited by the submitters: PubMed 17030811; PubMed 24819502.